The following is an entry in ClinVar:

NM_002519.3(NPAT):c.3392C>G (p.Ser1131Trp)

Gene: NPAT (nuclear protein, coactivator of histone transcription; minus strand). Cytogenetic location: 11q22.3.
Variant type: single nucleotide variant.
Coding change: c.3392C>G on transcript NM_002519.3 (MANE Select); coding-DNA position 3392, C replaced by G.
Protein change: p.Ser1131Trp; replaces serine 1131 with tryptophan.
Molecular consequence: missense variant.
Genome position (GRCh38, 1-based): chr11:108,161,694, G>C on the plus strand (C>G on the coding strand, the complement: NPAT is on the minus strand). VCF-style: chr11-108161694-G-C. GRCh37 (hg19) VCF-style: chr11-108032421-G-C.
Other names: c.3413C>G, p.Ser1138Trp (NM_001321307.1); short protein forms S1131W, S1138W.
Identifiers: ClinVar variation 3407265 (VCV003407265.1).

ClinVar aggregate classification (germline): Uncertain significance (1 of 4 stars; one submission).

gnomAD v4.1: 2 of 1,613,752 alleles (0.00012%); highest among the groups gnomAD compares: East Asian, 0.0022%; no homozygotes.

Submission:

Ambry Genetics
Classification: Uncertain significance. Last evaluated: 2024-11-02. Review status: criteria provided, single submitter. Criteria: Ambry Variant Classification Scheme 2023. Collection method: clinical testing. Allele origin: germline.
Comment: The p.S1131W variant (also known as c.3392C>G), located in coding exon 17 of the NPAT gene, results from a C to G substitution at nucleotide position 3392. The serine at codon 1131 is replaced by tryptophan, an amino acid with highly dissimilar properties. This amino acid position is conserved. In addition, this alteration is predicted to be tolerated by in silico analysis. Based on the available evidence, the clinical significance of this variant remains unclear.